The following is an entry in ClinVar:

NM_001114753.3(ENG):c.1428G>A (p.Gln476=)

Genes: ENG (endoglin; minus strand), LOC102723566 (uncharacterized LOC102723566; plus strand). Cytogenetic location: 9q34.11.
Variant type: single nucleotide variant.
Coding change: c.1428G>A on transcript NM_001114753.3 (MANE Select); coding-DNA position 1428, G replaced by A.
Protein change: p.Gln476=; no amino-acid change (glutamine 476 retained).
Molecular consequence: synonymous variant.
Genome position (GRCh38, 1-based): chr9:127,818,716, C>T on the plus strand (G>A on the coding strand, the complement: ENG is on the minus strand). VCF-style: chr9-127818716-C-T. GRCh37 (hg19) VCF-style: chr9-130580995-C-T.
Other names: c.1428G>A, p.Gln476= (NM_000118.4); c.882G>A, p.Gln294= (NM_001278138.2).
Identifiers: ClinVar variation 3720907 (VCV003720907.3).

ClinVar aggregate classification (germline): Conflicting classifications of pathogenicity. Review status: criteria provided, conflicting classifications (1 of 4 stars). 2 submissions from 2 submitters: Likely pathogenic (1); Uncertain significance (1). Last evaluated 2024-05-08.

Conditions:
Telangiectasia, hereditary hemorrhagic, type 1 (HHT1). Also called: Osler Weber Rendu syndrome type 1; ENG-Related Hereditary Hemorrhagic Telangiectasia. Identifiers: Orphanet 774, MedGen C4551861, MONDO:0008535, OMIM 187300. Disease mechanism: loss of function.
Hereditary hemorrhagic telangiectasia (HHT). Also called: ORW DISEASE; Osler Weber Rendu syndrome; OSLER-RENDU-WEBER DISEASE; Osler hemorrhagic telangiectasia syndrome. Identifiers: Orphanet 774, MedGen C0039445, MONDO:0019180. Disease mechanism: loss of function.

Submissions (2):

Labcorp Genetics (formerly Invitae), Labcorp
Classification: Uncertain significance for Hereditary hemorrhagic telangiectasia. Last evaluated: 2024-05-08. Review status: criteria provided, single submitter. Criteria: Invitae Variant Classification Sherloc (09022015). Collection method: clinical testing. Allele origin: germline.
Comment: This sequence change affects codon 476 of the ENG mRNA. It is a 'silent' change, meaning that it does not change the encoded amino acid sequence of the ENG protein. This variant also falls at the last nucleotide of exon 11, which is part of the consensus splice site for this exon. This variant is not present in population databases (gnomAD no frequency). This variant has been observed in individual(s) with hereditary hemorrhagic telangiectasia (PMID: 15024723; Invitae). Variants that disrupt the consensus splice site are a relatively common cause of aberrant splicing (PMID: 17576681, 9536098). Studies have shown that this variant is associated with inconclusive levels of altered splicing (PMID: 15024723). In summary, the available evidence is currently insufficient to determine the role of this variant in disease. Therefore, it has been classified as a Variant of Uncertain Significance.

Impact Genetics, Dynacare/LabCorp
Classification: Likely pathogenic for Telangiectasia, hereditary hemorrhagic, type 1. Last evaluated: 2023-07-12. Review status: criteria provided, single submitter. Criteria: DeMille et al. (Hum Mutat. 2024). Collection method: clinical testing. Allele origin: germline.
Comment: PS3, PS4_supporting, PM2_supportive, PP3

Literature cited by the submitters: PubMed 15024723 (cited by Labcorp Genetics (formerly Invitae), Labcorp and Impact Genetics, Dynacare/LabCorp); PubMed 17576681 (cited by Labcorp Genetics (formerly Invitae), Labcorp); PubMed 9536098 (cited by Labcorp Genetics (formerly Invitae), Labcorp).